The following is an entry in ClinVar:

ClinVar aggregate classification (germline): Uncertain significance (1 of 4 stars; one submission).

Allele frequency attached by ClinVar (database versions not stated): ExAC 0.00001; gnomAD 0.00001; gnomAD exomes 0.00001; 1000 Genomes Project 30x 0.00016; 1000 Genomes Project 0.00020.
gnomAD v4.1: 9 of 1,613,952 alleles (0.00056%); highest among the groups gnomAD compares: South Asian, 0.0044%; no homozygotes.

Submission:

GeneDx
Classification: Uncertain significance. Last evaluated: 2019-11-14. Review status: criteria provided, single submitter. Criteria: GeneDx Variant Classification Process June 2021. Collection method: clinical testing. Allele origin: germline. Affected: yes.
Comment: Not observed at a significant frequency in large population cohorts (Lek et al., 2016); In silico analysis, which includes protein predictors and evolutionary conservation, supports that this variant does not alter protein structure/function; Has not been previously published as pathogenic or benign to our knowledge

NM_018896.5(CACNA1G):c.3844G>A (p.Val1282Ile)

Gene: CACNA1G (calcium voltage-gated channel subunit alpha1 G; plus strand). Cytogenetic location: 17q21.33.
Variant type: single nucleotide variant.
Coding change: c.3844G>A on transcript NM_018896.5 (MANE Select); coding-DNA position 3844, G replaced by A.
Protein change: p.Val1282Ile; replaces valine 1282 with isoleucine.
Molecular consequence: missense variant. On other transcripts: non-coding transcript variant (5).
Genome position (GRCh38, 1-based): chr17:50,601,103, G>A. VCF-style: chr17-50601103-G-A. GRCh37 (hg19) VCF-style: chr17-48678464-G-A.
Other names: c.3844G>A, p.Val1282Ile (NM_001256324.2, NM_001256325.2, NM_001256326.2 and 16 more transcripts); c.3775G>A, p.Val1259Ile (NM_001256332.2, NM_198376.3, NM_198379.3 and 5 more transcripts); short protein forms V1259I, V1282I.
Identifiers: ClinVar variation 1304701 (VCV001304701.2), dbSNP rs559693517, ClinGen allele CA8652865.